The following is an entry in ClinVar:

NM_007294.4(BRCA1):c.1674del (p.Gly559fs)

Gene: BRCA1 (BRCA1 DNA repair associated; minus strand). Cytogenetic location: 17q21.31.
Variant type: Deletion.
Coding change: c.1674del on transcript NM_007294.4 (MANE Select); coding-DNA position 1674, one base deleted (A; older notation c.1674delA).
Protein change: p.Gly559fs; shifts the reading frame from glycine 559.
Molecular consequence: frameshift variant. On other transcripts: intron variant (137).
Genome position (GRCh38, 1-based): chr17:43,093,857, T deleted on the plus strand (A on the coding strand, the reverse complement: BRCA1 is on the minus strand); the first of 4 consecutive T bases (chr17:43,093,857-43,093,860); deleting any one gives the same sequence. VCF-style (leftmost placement, unchanged base first): chr17-43093856-CT-C. GRCh37 (hg19) VCF-style: chr17-41245873-CT-C.
Other names: p.Gly559ValfsTer13; 1793delA; c.1674delA (NM_007294.3); c.1461del, p.Gly488fs (NM_001407571.1, NM_001407853.1, NM_001407894.1 and 9 more transcripts); c.1674del, p.Gly559fs (NM_001407581.1, NM_001407582.1, NM_001407583.1 and 30 more transcripts); c.1671del, p.Gly558fs (NM_001407587.1, NM_001407590.1, NM_001407591.1 and 22 more transcripts); c.1665del, p.Gly556fs (NM_001407646.1, NM_001407647.1); c.1551del, p.Gly518fs (NM_001407648.1, NM_001407664.1, NM_001407665.1 and 19 more transcripts); and 43 more; short protein forms G559fs, G512fs, G432fs, G470fs, G489fs, G518fs, G558fs, G263fs.
Identifiers: ClinVar variation 37425 (VCV000037425.45), dbSNP rs80357600, ClinGen allele CA001103.

ClinVar aggregate classification (germline): Pathogenic. Review status: reviewed by expert panel (3 of 4 stars). 22 submissions from 21 submitters: Pathogenic (1). 21 of the submissions do not count toward it. Last evaluated 2016-09-08.

Conditions:
BRCA1-related disorder. Also called: BRCA1-related condition.
Pancreatic cancer, susceptibility to, 4. Identifiers: Orphanet 1333, MedGen C3280442, MONDO:0013685, OMIM 614320.
Breast-ovarian cancer, familial, susceptibility to, 1 (BROVCA1). Also called: OVARIAN CANCER, SUSCEPTIBILITY TO; BRCA1 Hereditary Breast and Ovarian Cancer. Identifiers: Orphanet 145, MedGen C2676676, MONDO:0011450, OMIM 604370. Disease mechanism: loss of function.
Fanconi anemia, complementation group S (FANCS). Identifiers: MedGen C4554406, MONDO:0054748, OMIM 617883.
Hereditary cancer-predisposing syndrome. Also called: Neoplastic Syndromes, Hereditary; Tumor predisposition; Hereditary Cancer Syndrome; Hereditary neoplastic syndrome. Identifiers: Orphanet 140162, MedGen C0027672, MeSH D009386, MONDO:0015356.
Hereditary breast ovarian cancer syndrome. Also called: Hereditary breast and ovarian cancer; Breast and ovarian cancer; Hereditary breast and/or ovarian cancer syndrome; Hereditary breast and ovarian cancer syndrome (HBOC); Hereditary breast and ovarian cancer syndrome; BRCA1- and BRCA2-Associated Hereditary Breast and Ovarian Cancer. Identifiers: Orphanet 145, MedGen C0677776, MeSH D061325, MONDO:0003582. Disease mechanism: loss of function.
Familial cancer of breast. Also called: BREAST CANCER, FAMILIAL; Hereditary breast cancer; hereditary breast carcinoma. Identifiers: Orphanet 227535, MedGen C0346153, MONDO:0016419, OMIM 114480. Disease mechanism: loss of function.

Submissions 1 to 11 of 22:

Evidence-based Network for the Interpretation of Germline Mutant Alleles (ENIGMA)
Classification: Pathogenic for Breast-ovarian cancer, familial, susceptibility to, 1. Last evaluated: 2016-09-08. Review status: reviewed by expert panel. Criteria: ENIGMA BRCA1/2 Classification Criteria (2015). Collection method: curation. Allele origin: germline.
Comment: Variant allele predicted to encode a truncated non-functional protein.

CeGaT Center for Human Genetics Tuebingen
Classification: Pathogenic. Last evaluated: 2026-01-01. Review status: criteria provided, single submitter. Criteria: CeGaT Center For Human Genetics Tuebingen Variant Classification Criteria Version 2. Collection method: clinical testing. Allele origin: germline. Affected: yes. Observed: 1 variant allele. Not counted in ClinVar's aggregate classification.
Comment: BRCA1: PVS1, PM2, PS4:Moderate

Color Diagnostics, LLC DBA Color Health
Classification: Pathogenic for Hereditary cancer-predisposing syndrome. Last evaluated: 2025-10-28. Review status: criteria provided, single submitter. Criteria: ACMG Guidelines, 2015. Collection method: clinical testing. Allele origin: germline. Not counted in ClinVar's aggregate classification.
Comment: This variant deletes 1 nucleotide in exon 10 of the BRCA1 gene, creating a frameshift and premature translation stop signal. This variant is expected to result in an absent or non-functional protein product. his variant has been reported in individuals affected with breast and ovarian cancer (PMID: 11773283, 23479189, 23683081, 28680148, 28528518). This variant has been detected in a breast cancer case-control meta-analysis in 4/60466 cases and absent in 53461 unaffected individuals (PMID: 33471991LOVD DB-ID BRCA1_001809). Multifactorial analysis reached a likelihood ratio (LR) of 1779.391 based on case-control data (PMID: 40413188). This variant has not been identified in the general population by the Genome Aggregation Database (gnomAD). Loss of BRCA1 function is a known mechanism of disease. Based on the available evidence, this variant is classified as Pathogenic.

Labcorp Genetics (formerly Invitae), Labcorp
Classification: Pathogenic for Hereditary breast ovarian cancer syndrome. Last evaluated: 2025-09-22. Review status: criteria provided, single submitter. Criteria: Invitae Variant Classification Sherloc (09022015). Collection method: clinical testing. Allele origin: germline. Not counted in ClinVar's aggregate classification.
Comment: This sequence change creates a premature translational stop signal (p.Gly559Valfs*13) in the BRCA1 gene. It is expected to result in an absent or disrupted protein product. Loss-of-function variants in BRCA1 are known to be pathogenic (PMID: 20104584). This variant is not present in population databases (gnomAD no frequency). This premature translational stop signal has been observed in individual(s) with breast and/or ovarian cancer (PMID: 9145677, 11773283, 23479189, 23683081). This variant is also known as 1790delA and 1793delA. ClinVar contains an entry for this variant (Variation ID: 37425). For these reasons, this variant has been classified as Pathogenic.

Quest Diagnostics Nichols Institute San Juan Capistrano
Classification: Pathogenic. Last evaluated: 2025-09-08. Review status: criteria provided, single submitter. Criteria: Quest Diagnostics criteria. Collection method: clinical testing. Allele origin: unknown. Not counted in ClinVar's aggregate classification.
Comment: The BRCA1 c.1674del (p.Gly559Valfs*13) variant alters the translational reading frame of the BRCA1 mRNA and causes the premature termination of BRCA1 protein synthesis. This variant has been reported in the published literature in individuals and families with a personal and/or family history of breast and/or ovarian cancer (PMID: 38922859 (2024), 34413315 (2021), 31921681 (2019), 29446198 (2018), 28680148 (2017), 22044689 (2012), 11773283 (2002), 9145677 (1997)). This variant has not been reported in large, multi-ethnic general populations (Genome Aggregation Database). Based on the available information, this variant is classified as pathogenic.

Mayo Clinic Laboratories, Mayo Clinic
Classification: Pathogenic. Last evaluated: 2024-07-23. Review status: criteria provided, single submitter. Criteria: ACMG Guidelines, 2015. Collection method: clinical testing. Allele origin: germline. Observed: 1 variant allele. Not counted in ClinVar's aggregate classification.
Comment: PM2, PM5_strong, PVS1

Ambry Genetics
Classification: Pathogenic for Hereditary cancer-predisposing syndrome. Last evaluated: 2024-04-02. Review status: criteria provided, single submitter. Criteria: Ambry Variant Classification Scheme 2023. Collection method: clinical testing. Allele origin: germline. Not counted in ClinVar's aggregate classification.
Comment: The c.1674delA pathogenic mutation, located in coding exon 9 of the BRCA1 gene, results from a deletion of one nucleotide at nucleotide position 1674, causing a translational frameshift with a predicted alternate stop codon (p.G559Vfs*13). This mutation has been reported in patients with personal and/or family histories suspicious for Hereditary Breast and Ovarian Cancer (Couch FJ et al. N. Engl. J. Med. 1997 May;336:1409-15; Geisler JP et al. J Natl Cancer Inst, 2002 Jan;94:61-7; Shih HA et al. J Clin Oncol, 2002 Feb;20:994-9; Dworkin AM et al. Fam Cancer, 2009 Apr;8:339-46; Rodr&iacute;guez AO et al. Gynecol Oncol, 2012 Feb;124:236-43; Blay P et al. BMC Cancer. 2013 May;13:243; de Juan Jim&eacute;nez I et al. Fam Cancer, 2013 Dec;12:767-77; Brice&ntilde;o-Balc&aacute;zar I et al. Colomb Med (Cali), 2017 Jun;48:58-63; Torres D et al. Sci Rep, 2017 07;7:4713 Cock-Rada AM et al. Fam Cancer, 2018 01;17:23-30; Rebbeck TR et al. Hum Mutat, 2018 05;39:593-620; Wei H et al. Oncol Lett, 2018 Jun;15:9420-9428; Li JY et al. Int J Cancer, 2019 01;144:281-289; Oliver J et al. Front Oncol, 2019 Dec;9:1429). Of note, this alteration has also been reported as 1790delA and 1793delA in published literature. In addition to the clinical data presented in the literature, this alteration is expected to result in loss of function by premature protein truncation or nonsense-mediated mRNA decay. As such, this alteration is interpreted as a disease-causing mutation.

Baylor Genetics
Classification: Pathogenic for Breast-ovarian cancer, familial, susceptibility to, 1. Last evaluated: 2024-02-03. Review status: criteria provided, single submitter. Criteria: ACMG Guidelines, 2015. Collection method: clinical testing. Allele origin: unknown. Not counted in ClinVar's aggregate classification.

Molecular Genetics and NGS Laboratory, Hospital Fundacion Valle Del Lili
Classification: Pathogenic for Breast-ovarian cancer, familial, susceptibility to, 1; Pancreatic cancer, susceptibility to, 4; Fanconi anemia, complementation group S. Last evaluated: 2023-11-07. Review status: criteria provided, single submitter. Criteria: ACMG Guidelines, 2015. Collection method: clinical testing. Allele origin: germline. Affected: yes. Observed: 12 variant alleles. Not counted in ClinVar's aggregate classification.

GeneDx
Classification: Pathogenic. Last evaluated: 2023-07-13. Review status: criteria provided, single submitter. Criteria: GeneDx Variant Classification Process June 2021. Collection method: clinical testing. Allele origin: germline. Affected: yes. Not counted in ClinVar's aggregate classification.
Comment: Frameshift variant predicted to result in protein truncation or nonsense mediated decay in a gene for which loss-of-function is a known mechanism of disease; Reported in association with hereditary breast and ovarian cancer (Geisler et al., 2002; Dworkin et al., 2009; Rodriguez et al., 2012; Blay et al., 2013; de Juan Jimenez et al., 2013); Not observed at significant frequency in large population cohorts (gnomAD); Truncating variants in this gene are considered pathogenic by a well-established clinical consortium and/or database; Also known as 1793delA; This variant is associated with the following publications: (PMID: 31921681, 11304778, 11773283, 31825140, 34413315, 23683081, 23479189, 9145677, 19340607, 22044689, 16267036, 28024868, 29659587, 28528518, 29752822)

Blueprint Genetics
Classification: Pathogenic for BRCA1-related disorders. Last evaluated: 2022-09-21. Review status: criteria provided, single submitter. Criteria: ACMG Guidelines, 2015. Collection method: clinical testing. Allele origin: germline. Affected: yes. Observed: 4 variant alleles. Not counted in ClinVar's aggregate classification.